The following is an entry in ClinVar:

ClinVar aggregate classification (germline): Uncertain significance. Review status: criteria provided, multiple submitters, no conflicts (2 of 4 stars). 4 submissions from 4 submitters: Uncertain significance (4). Last evaluated 2026-01-05.

Conditions:
Cardiomyopathy (CMYO). Also called: Cardiomyopathies. Identifiers: Orphanet 167848, MedGen C0878544, MONDO:0004994, HP:0001638. Inheritance: Various modes of inheritance.
Cardiovascular phenotype. Identifiers: MedGen CN230736.
Catecholaminergic polymorphic ventricular tachycardia 1. Also called: VENTRICULAR TACHYCARDIA, STRESS-INDUCED POLYMORPHIC 1; VENTRICULAR TACHYCARDIA, CATECHOLAMINERGIC POLYMORPHIC, 1, WITH OR WITHOUT ATRIAL DYSFUNCTION AND/OR DILATED CARDIOMYOPATHY; RYR2-Related Catecholaminergic Polymorphic Ventricular Tachycardia. Identifiers: Orphanet 3286, MedGen C1631597, MONDO:0011484, OMIM 604772.
Catecholaminergic polymorphic ventricular tachycardia (CVPT). Also called: Catecholamine-induced polymorphic ventricular tachycardia. Identifiers: Orphanet 3286, MedGen C5574922, MONDO:0017990.

Allele frequency attached by ClinVar (database versions not stated): gnomAD exomes below 0.00001 and 0.00001; gnomAD 0.00001.
gnomAD v4.1: 12 of 1,611,672 alleles (0.00074%); highest among the groups gnomAD compares: South Asian, 0.0011%; no homozygotes.

Submissions (4):

Labcorp Genetics (formerly Invitae), Labcorp
Classification: Uncertain significance for Catecholaminergic polymorphic ventricular tachycardia 1. Last evaluated: 2026-01-05. Review status: criteria provided, single submitter. Criteria: Invitae Variant Classification Sherloc (09022015). Collection method: clinical testing. Allele origin: germline.
Comment: This sequence change replaces alanine, which is neutral and non-polar, with valine, which is neutral and non-polar, at codon 283 of the RYR2 protein (p.Ala283Val). The frequency data for this variant in the population databases is considered unreliable, as metrics indicate poor data quality at this position in the gnomAD database. This variant has not been reported in the literature in individuals affected with RYR2-related conditions. ClinVar contains an entry for this variant (Variation ID: 1171192). An algorithm developed to predict the effect of missense changes on protein structure and function (PolyPhen-2) suggests that this variant is likely to be tolerated. In summary, the available evidence is currently insufficient to determine the role of this variant in disease. Therefore, it has been classified as a Variant of Uncertain Significance.

Color Diagnostics, LLC DBA Color Health
Classification: Uncertain significance for Cardiomyopathy. Last evaluated: 2025-09-15. Review status: criteria provided, single submitter. Criteria: ACMG Guidelines, 2015. Collection method: clinical testing. Allele origin: germline.
Comment: This missense variant replaces alanine with valine at codon 283 of the RYR2 protein. Computational prediction suggests that this variant may not impact protein structure and function. To our knowledge, functional studies have not been reported for this variant. This variant has not been reported in individuals affected with RYR2-related disorders in the literature. This variant has been identified in 1/248868 chromosomes in the general population by the Genome Aggregation Database (gnomAD). The available evidence is insufficient to determine the role of this variant in disease conclusively. Therefore, this variant is classified as a Variant of Uncertain Significance.

All of Us Research Program, National Institutes of Health
Classification: Uncertain significance for Catecholaminergic polymorphic ventricular tachycardia. Last evaluated: 2023-02-22. Review status: criteria provided, single submitter. Criteria: ACMG Guidelines, 2015. Collection method: clinical testing. Allele origin: germline. Inheritance: Autosomal dominant inheritance. Observed: 1 variant allele, 1 heterozygote.
Comment: This missense variant replaces alanine with valine at codon 283 of the RYR2 protein. Computational prediction suggests that this variant may not impact protein structure and function (internally defined REVEL score threshold <= 0.5, PMID: 27666373). To our knowledge, functional studies have not been reported for this variant. This variant has been reported in an individual from a cohort of clinical whole-exome genetic test referrals (PMID: 28404607). This variant has been identified in 1/248868 chromosomes in the general population by the Genome Aggregation Database (gnomAD). The available evidence is insufficient to determine the role of this variant in disease conclusively. Therefore, this variant is classified as a Variant of Uncertain Significance.

This study involves interpretation of variants in research participants for the purpose of population health screening. Participant phenotype was not available at the time of variant classification. Additional details can be found in publication PMID: 35346344, PMCID: PMC8962531

Ambry Genetics
Classification: Uncertain significance for Cardiovascular phenotype. Last evaluated: 2021-09-27. Review status: criteria provided, single submitter. Criteria: Ambry Variant Classification Scheme 2023. Collection method: clinical testing. Allele origin: germline.
Comment: Occurs in the last base pair of the exon Based on insufficient or conflicting evidence, the clinical significance of this alteration remains unclear.

Literature cited by the submitters: PubMed 28404607 (cited by All of Us Research Program, National Institutes of Health and Ambry Genetics).

NM_001035.3(RYR2):c.848C>T (p.Ala283Val)

Gene: RYR2 (ryanodine receptor 2; plus strand). Cytogenetic location: 1q43.
Variant type: single nucleotide variant.
Coding change: c.848C>T on transcript NM_001035.3 (MANE Select); coding-DNA position 848, C replaced by T.
Protein change: p.Ala283Val; replaces alanine 283 with valine.
Molecular consequence: missense variant.
Genome position (GRCh38, 1-based): chr1:237,417,123, C>T. VCF-style: chr1-237417123-C-T. GRCh37 (hg19) VCF-style: chr1-237580423-C-T.
Other names: c.848C>T (NM_001035.2); short protein forms A283V.
Identifiers: ClinVar variation 1171192 (VCV001171192.53), dbSNP rs1163526442, ClinGen allele CA345383905.
Genomic context (GRCh38, chr1:237,417,123, plus strand): 5'-AAGGTGGCGCTGTGTCTGTTCATGCACGTTCCCTTTGGAGACTAGAGACGCTAAGAGTTG[C>T]GTAAGTAGAACTTCTAAACACAGCCTAATGCACCAAGTGTACCAAATAGCTCAGCGTTGT-3'
Protein context (NP_001026.2, residues 273-293): SLWRLETLRV[Ala283Val]WSGSHIRWGQ